The following is an entry in ClinVar:

ClinVar aggregate classification (germline): Uncertain significance (1 of 4 stars; one submission).

Conditions:
Inborn genetic diseases. Identifiers: MedGen C0950123, MeSH D030342.

Allele frequency attached by ClinVar (database versions not stated): gnomAD 0.00001; gnomAD exomes 0.00001.
gnomAD v4.1: 9 of 1,573,828 alleles (0.00057%); highest among the groups gnomAD compares: Non-Finnish European, 0.00078%; no homozygotes.

Submission:

Ambry Genetics
Classification: Uncertain significance for Inborn genetic diseases. Last evaluated: 2020-08-13. Review status: criteria provided, single submitter. Criteria: Ambry Variant Classification Scheme 2023. Collection method: clinical testing. Allele origin: germline.
Comment: The p.L204V variant (also known as c.610C>G), located in coding exon 6 of the SLC25A46 gene, results from a C to G substitution at nucleotide position 610. The leucine at codon 204 is replaced by valine, an amino acid with highly similar properties. This amino acid position is well conserved in available vertebrate species. In addition, this alteration is predicted to be tolerated by in silico analysis. Since supporting evidence is limited at this time, the clinical significance of this alteration remains unclear.

NM_138773.4(SLC25A46):c.610C>G (p.Leu204Val)

Gene: SLC25A46 (solute carrier family 25 member 46; plus strand). Cytogenetic location: 5q22.1.
Variant type: single nucleotide variant.
Coding change: c.610C>G on transcript NM_138773.4 (MANE Select); coding-DNA position 610, C replaced by G.
Protein change: p.Leu204Val; replaces leucine 204 with valine.
Molecular consequence: missense variant. On other transcripts: non-coding transcript variant (1).
Genome position (GRCh38, 1-based): chr5:110,755,511, C>G. VCF-style: chr5-110755511-C-G. GRCh37 (hg19) VCF-style: chr5-110091211-C-G.
Other names: c.610C>G, p.Leu204Val (NM_001303249.3); c.337C>G, p.Leu113Val (NM_001303250.3); short protein forms L113V, L204V.
Identifiers: ClinVar variation 1751665 (VCV001751665.2), dbSNP rs939774456, ClinGen allele CA125344324.